The following is an entry in ClinVar:

NM_001035.3(RYR2):c.6047C>G (p.Ser2016Cys)

Gene: RYR2 (ryanodine receptor 2; plus strand). Cytogenetic location: 1q43.
Variant type: single nucleotide variant.
Coding change: c.6047C>G on transcript NM_001035.3 (MANE Select); coding-DNA position 6047, C replaced by G.
Protein change: p.Ser2016Cys; replaces serine 2016 with cysteine.
Molecular consequence: missense variant.
Genome position (GRCh38, 1-based): chr1:237,625,685, C>G. VCF-style: chr1-237625685-C-G. GRCh37 (hg19) VCF-style: chr1-237788985-C-G.
Other names: short protein forms S2016C.
Identifiers: ClinVar variation 4696648 (VCV004696648.1).
Genomic context (GRCh38, chr1:237,625,685, plus strand): 5'-AATATTTTTTTCTGCCTCTCTGTTTTTTTATACTAGGAATTGAGCTGGATGAAGATGGGT[C>G]TCTGGATGGAAACAGTGATTTAACAATTAGAGGGCGTCTGCTATCCCTGGTAGAAAAGGT-3'
Protein context (NP_001026.2, residues 2006-2026): HCGIELDEDG[Ser2016Cys]LDGNSDLTIR

ClinVar aggregate classification (germline): Uncertain significance (1 of 4 stars; one submission).

Conditions:
Catecholaminergic polymorphic ventricular tachycardia 1. Also called: RYR2-Related Catecholaminergic Polymorphic Ventricular Tachycardia; VENTRICULAR TACHYCARDIA, STRESS-INDUCED POLYMORPHIC 1; VENTRICULAR TACHYCARDIA, CATECHOLAMINERGIC POLYMORPHIC, 1, WITH OR WITHOUT ATRIAL DYSFUNCTION AND/OR DILATED CARDIOMYOPATHY. Identifiers: Orphanet 3286, MedGen C1631597, MONDO:0011484, OMIM 604772.

gnomAD v4.1: 1 of 1,613,616 alleles (0.000062%); highest among the groups gnomAD compares: Admixed American, 0.0017%; no homozygotes.

Submission:

Labcorp Genetics (formerly Invitae), Labcorp
Classification: Uncertain significance for Catecholaminergic polymorphic ventricular tachycardia 1. Last evaluated: 2026-01-19. Review status: criteria provided, single submitter. Criteria: Invitae Variant Classification Sherloc (09022015). Collection method: clinical testing. Allele origin: germline.
Comment: This sequence change replaces serine, which is neutral and polar, with cysteine, which is neutral and slightly polar, at codon 2016 of the RYR2 protein (p.Ser2016Cys). This variant is not present in population databases (gnomAD no frequency). This variant has not been reported in the literature in individuals affected with RYR2-related conditions. Invitae Evidence Modeling of protein sequence and biophysical properties (such as structural, functional, and spatial information, amino acid conservation, physicochemical variation, residue mobility, and thermodynamic stability) indicates that this missense variant is not expected to disrupt RYR2 protein function with a negative predictive value of 95%. In summary, the available evidence is currently insufficient to determine the role of this variant in disease. Therefore, it has been classified as a Variant of Uncertain Significance.